The following is an entry in ClinVar:

NM_001267550.2(TTN):c.14268C>G (p.Ser4756Arg)

Gene: TTN (titin; minus strand). Cytogenetic location: 2q31.2.
Variant type: single nucleotide variant.
Coding change: c.14268C>G on transcript NM_001267550.2 (MANE Select); coding-DNA position 14268, C replaced by G.
Protein change: p.Ser4756Arg; replaces serine 4756 with arginine.
Molecular consequence: missense variant.
Genome position (GRCh38, 1-based): chr2:178,738,185, G>C on the plus strand (C>G on the coding strand, the complement: TTN is on the minus strand). VCF-style: chr2-178738185-G-C. GRCh37 (hg19) VCF-style: chr2-179602912-G-C.
Other names: c.13317C>G, p.Ser4439Arg (NM_001256850.1); c.13179C>G, p.Ser4393Arg (NM_003319.4); c.10536C>G, p.Ser3512Arg (NM_133378.4); c.13554C>G, p.Ser4518Arg (NM_133432.3); c.13755C>G, p.Ser4585Arg (NM_133437.4); short protein forms S3512R, S4393R, S4439R, S4518R, S4585R, S4756R.
Identifiers: ClinVar variation 4076438 (VCV004076438.1).
Genomic context (GRCh38, chr2:178,738,185, plus strand): 5'-ATTGGAAGCTTTGCATGTATACTCGCCGCAGTCAACCACCTGGGTTCTCAGGATTTCAAG[G>C]CTGGAGATATACTTTGAAGATCGAATAGAACACTTGTCACTCTCATAAATTTCTCGGCCA-3'
Protein context (NP_001254479.2, residues 4746-4766): CSIRSSKYIS[Ser4756Arg]LEILRTQVVD

ClinVar aggregate classification (germline): Likely benign (1 of 4 stars; one submission).

Submission:

Molecular Diagnostic Laboratory for Inherited Cardiovascular Disease, Montreal Heart Institute
Classification: Likely benign. Last evaluated: 2025-07-24. Review status: criteria provided, single submitter. Criteria: ACMG Guidelines, 2015. Collection method: clinical testing. Allele origin: germline. Affected: no.
Comment: BP1